The following is an entry in ClinVar:

NM_001358921.2(COQ2):c.1100A>G (p.Asn367Ser)

Gene: COQ2 (coenzyme Q2, polyprenyltransferase; minus strand). Cytogenetic location: 4q21.23.
Variant type: single nucleotide variant.
Coding change: c.1100A>G on transcript NM_001358921.2 (MANE Select); coding-DNA position 1100, A replaced by G.
Protein change: p.Asn367Ser; replaces asparagine 367 with serine.
Molecular consequence: missense variant.
Genome position (GRCh38, 1-based): chr4:83,264,215, T>C on the plus strand (A>G on the coding strand, the complement: COQ2 is on the minus strand). VCF-style: chr4-83264215-T-C. GRCh37 (hg19) VCF-style: chr4-84185368-T-C.
Other names: p.N417S:AAT>AGT; c.1250A>G, p.Asn417Ser (NM_015697.9); short protein forms N417S, N367S.
Identifiers: ClinVar variation 214218 (VCV000214218.5), dbSNP rs745619253, ClinGen allele CA325402.

ClinVar aggregate classification (germline): Conflicting classifications of pathogenicity. Review status: criteria provided, conflicting classifications (1 of 4 stars). 3 submissions from 3 submitters: Uncertain significance (1); Likely benign (2). Last evaluated 2024-07-10.

Allele frequency attached by ClinVar (database versions not stated): gnomAD 0.00005 and 0.00006; gnomAD exomes 0.00005 and 0.00011; TOPMed 0.00007; ExAC 0.00008.
gnomAD v4.1: 146 of 1,448,524 alleles (0.01%); highest among the groups gnomAD compares: Non-Finnish European, 0.013%; no homozygotes.

Submissions (3):

Blueprint Genetics
Classification: Likely benign. Last evaluated: 2024-07-10. Review status: criteria provided, single submitter. Criteria: ACMG Guidelines, 2015. Collection method: clinical testing. Allele origin: germline.

Labcorp Genetics (formerly Invitae), Labcorp
Classification: Uncertain significance. Last evaluated: 2023-12-11. Review status: criteria provided, single submitter. Criteria: Invitae Variant Classification Sherloc (09022015). Collection method: clinical testing. Allele origin: germline.
Comment: This sequence change replaces asparagine, which is neutral and polar, with serine, which is neutral and polar, at codon 417 of the COQ2 protein (p.Asn417Ser). This variant is present in population databases (rs745619253, gnomAD 0.009%). This variant has not been reported in the literature in individuals affected with COQ2-related conditions. ClinVar contains an entry for this variant (Variation ID: 214218). Algorithms developed to predict the effect of missense changes on protein structure and function output the following: SIFT: "Not Available"; PolyPhen-2: "Benign"; Align-GVGD: "Not Available". The serine amino acid residue is found in multiple mammalian species, which suggests that this missense change does not adversely affect protein function. In summary, the available evidence is currently insufficient to determine the role of this variant in disease. Therefore, it has been classified as a Variant of Uncertain Significance.

GeneDx
Classification: Likely benign. Last evaluated: 2013-11-26. Review status: criteria provided, single submitter. Criteria: GeneDx Variant Classification (06012015). Collection method: clinical testing. Allele origin: germline. Affected: yes.
Comment: This variant is considered likely benign or benign based on one or more of the following criteria: it is a conservative change, it occurs at a poorly conserved position in the protein, it is predicted to be benign by multiple in silico algorithms, and/or has population frequency not consistent with disease.